The following is an entry in ClinVar:

NM_015450.3(POT1):c.961G>A (p.Val321Ile)

Gene: POT1 (protection of telomeres 1; minus strand). Cytogenetic location: 7q31.33.
Variant type: single nucleotide variant.
Coding change: c.961G>A on transcript NM_015450.3 (MANE Select); coding-DNA position 961, G replaced by A.
Protein change: p.Val321Ile; replaces valine 321 with isoleucine.
Molecular consequence: missense variant. On other transcripts: non-coding transcript variant (3).
Genome position (GRCh38, 1-based): chr7:124,846,987, C>T on the plus strand (G>A on the coding strand, the complement: POT1 is on the minus strand). VCF-style: chr7-124846987-C-T. GRCh37 (hg19) VCF-style: chr7-124487041-C-T.
Other names: c.568G>A, p.Val190Ile (NM_001042594.2); short protein forms V321I, V190I.
Identifiers: ClinVar variation 3423147 (VCV003423147.1).

ClinVar aggregate classification (germline): Uncertain significance (1 of 4 stars; one submission).

Conditions:
Hereditary cancer-predisposing syndrome. Also called: Neoplastic Syndromes, Hereditary; Tumor predisposition; Hereditary Cancer Syndrome; Hereditary neoplastic syndrome. Identifiers: Orphanet 140162, MedGen C0027672, MeSH D009386, MONDO:0015356.

gnomAD v4.1: 3 of 1,604,560 alleles (0.00019%); highest among the groups gnomAD compares: East Asian, 0.0067%; no homozygotes.

Submission:

Ambry Genetics
Classification: Uncertain significance for Hereditary cancer-predisposing syndrome. Last evaluated: 2024-11-09. Review status: criteria provided, single submitter. Criteria: Ambry Variant Classification Scheme 2023. Collection method: clinical testing. Allele origin: germline.
Comment: The p.V321I variant (also known as c.961G>A), located in coding exon 8 of the POT1 gene, results from a G to A substitution at nucleotide position 961. The valine at codon 321 is replaced by isoleucine, an amino acid with highly similar properties. This amino acid position is conserved. In addition, this alteration is predicted to be tolerated by in silico analysis. Based on the available evidence, the clinical significance of this variant remains unclear.